The following is an entry in ClinVar:

NM_001353345.2(SETD1B):c.3196G>A (p.Asp1066Asn)

Gene: SETD1B (SET domain containing 1B, histone lysine methyltransferase; plus strand). Cytogenetic location: 12q24.31.
Variant type: single nucleotide variant.
Coding change: c.3196G>A on transcript NM_001353345.2 (MANE Select); coding-DNA position 3196, G replaced by A.
Protein change: p.Asp1066Asn; replaces aspartic acid 1066 with asparagine.
Molecular consequence: missense variant.
Genome position (GRCh38, 1-based): chr12:121,817,588, G>A. VCF-style: chr12-121817588-G-A. GRCh37 (hg19) VCF-style: chr12-122255494-G-A.
Other names: short protein forms D1066N.
Identifiers: ClinVar variation 4980894 (VCV004980894.1).
Genomic context (GRCh38, chr12:121,817,588, plus strand): 5'-TCCTCATCCGCGTCATCATCCTCGGGGTCCTCAACCACCTCACCCTCGTCCTCGGCCTCC[G>A]ACAAGGAGGAGGAACAGGAGAGCACCGAGGAGGAAGAGGAGGCGGAGGAGGAGGAGGAGG-3'
Protein context (NP_001340274.1, residues 1056-1076): STTSPSSSAS[Asp1066Asn]KEEEQESTEE

ClinVar aggregate classification (germline): Likely benign (1 of 4 stars; one submission).

Conditions:
SETD1B-related disorder. Also called: SETD1B-related condition.

gnomAD v4.1: 161 of 1,551,306 alleles (0.01%); highest among the groups gnomAD compares: African/African-American, 0.19%; no homozygotes.

Submission:

PreventionGenetics, part of Exact Sciences
Classification: Likely benign for SETD1B-related condition. Last evaluated: 2025-12-27. Review status: criteria provided, single submitter. Criteria: ACMG Guidelines, 2015. Collection method: clinical testing. Allele origin: germline.
Comment: This variant is classified as likely benign based on ACMG/AMP sequence variant interpretation guidelines (Richards et al. 2015 PMID: 25741868, with internal and published modifications).